The following is an entry in ClinVar:

NM_001080.3(ALDH5A1):c.1116T>C (p.Asn372=)

Gene: ALDH5A1 (aldehyde dehydrogenase 5 family member A1; plus strand). Cytogenetic location: 6p22.3.
Variant type: single nucleotide variant.
Coding change: c.1116T>C on transcript NM_001080.3 (MANE Select); coding-DNA position 1116, T replaced by C.
Protein change: p.Asn372=; no amino-acid change (asparagine 372 retained).
Molecular consequence: synonymous variant.
Genome position (GRCh38, 1-based): chr6:24,522,868, T>C. VCF-style: chr6-24522868-T-C. GRCh37 (hg19) VCF-style: chr6-24523096-T-C.
Other names: c.972T>C, p.Asn324= (NM_001368954.1); c.1155T>C, p.Asn385= (NM_170740.1).
Identifiers: ClinVar variation 2726242 (VCV002726242.22), dbSNP rs779417497, ClinGen allele CA3656855.

ClinVar aggregate classification (germline): Likely benign. Review status: criteria provided, multiple submitters, no conflicts (2 of 4 stars). 2 submissions from 2 submitters: Likely benign (2). Last evaluated 2024-05-01.

Conditions:
Succinate-semialdehyde dehydrogenase deficiency (SSADHD). Also called: 4-HYDROXYBUTYRIC ACIDURIA; GABA METABOLIC DEFECT; SSADH DEFICIENCY; Succinic Semialdehyde Dehydrogenase Deficiency. Identifiers: Orphanet 22, MedGen C0268631, MONDO:0010083, OMIM 271980.

Allele frequency attached by ClinVar (database versions not stated): TOPMed below 0.00001; gnomAD 0.00001; ExAC 0.00002; gnomAD exomes 0.00002.

Submissions (2):

CeGaT Center for Human Genetics Tuebingen
Classification: Likely benign. Last evaluated: 2024-05-01. Review status: criteria provided, single submitter. Criteria: CeGaT Center For Human Genetics Tuebingen Variant Classification Criteria Version 2. Collection method: clinical testing. Allele origin: germline. Affected: yes. Observed: 1 variant allele.
Comment: ALDH5A1: BP4, BP7

Labcorp Genetics (formerly Invitae), Labcorp
Classification: Likely benign for Succinate-semialdehyde dehydrogenase deficiency. Last evaluated: 2024-03-16. Review status: criteria provided, single submitter. Criteria: Invitae Variant Classification Sherloc (09022015). Collection method: clinical testing. Allele origin: germline.